The following is an entry in ClinVar:

ClinVar aggregate classification (germline): Benign/Likely benign. Review status: criteria provided, multiple submitters, no conflicts (2 of 4 stars). 4 submissions from 4 submitters: Benign (1); Likely benign (3). Last evaluated 2025-07-19.

Conditions:
Hereditary cancer-predisposing syndrome. Also called: Hereditary neoplastic syndrome; Hereditary Cancer Syndrome; Neoplastic Syndromes, Hereditary; Tumor predisposition. Identifiers: Orphanet 140162, MedGen C0027672, MeSH D009386, MONDO:0015356.
Familial cancer of breast. Also called: BREAST CANCER, FAMILIAL; hereditary breast carcinoma; Hereditary breast cancer. Identifiers: Orphanet 227535, MedGen C0346153, MONDO:0016419, OMIM 114480. Disease mechanism: loss of function.

Allele frequency attached by ClinVar (database versions not stated): TOPMed below 0.00001; gnomAD 0.00001.
gnomAD v4.1: 1 of 1,613,952 alleles (0.000062%); highest among the groups gnomAD compares: Admixed American, 0.0017%; no homozygotes.

Submissions (4):

Labcorp Genetics (formerly Invitae), Labcorp
Classification: Likely benign for Familial cancer of breast. Last evaluated: 2025-07-19. Review status: criteria provided, single submitter. Criteria: Invitae Variant Classification Sherloc (09022015). Collection method: clinical testing. Allele origin: germline.

Ambry Genetics
Classification: Likely benign for Hereditary cancer-predisposing syndrome. Last evaluated: 2025-05-25. Review status: criteria provided, single submitter. Criteria: Ambry Variant Classification Scheme 2023. Collection method: clinical testing. Allele origin: germline.

Myriad Genetics, Inc.
Classification: Benign for Familial cancer of breast. Last evaluated: 2025-01-21. Review status: criteria provided, single submitter. Criteria: Myriad Autosomal Dominant, Autosomal Recessive and X-Linked Classification Criteria (2023). Collection method: clinical testing. Allele origin: unknown.
Comment: This variant is considered benign. This variant is a silent/synonymous amino acid change and it is not expected to impact splicing.

GeneDx
Classification: Likely benign. Last evaluated: 2017-10-31. Review status: criteria provided, single submitter. Criteria: GeneDx Variant Classification (06012015). Collection method: clinical testing. Allele origin: germline. Affected: yes.
Comment: This variant is considered likely benign or benign based on one or more of the following criteria: it is a conservative change, it occurs at a poorly conserved position in the protein, it is predicted to be benign by multiple in silico algorithms, and/or has population frequency not consistent with disease.

NM_024675.4(PALB2):c.2880A>G (p.Leu960=)

Gene: PALB2 (partner and localizer of BRCA2; minus strand). Cytogenetic location: 16p12.2.
Variant type: single nucleotide variant.
Coding change: c.2880A>G on transcript NM_024675.4 (MANE Select); coding-DNA position 2880, A replaced by G.
Protein change: p.Leu960=; no amino-acid change (leucine 960 retained).
Molecular consequence: synonymous variant.
Genome position (GRCh38, 1-based): chr16:23,623,085, T>C on the plus strand (A>G on the coding strand, the complement: PALB2 is on the minus strand). VCF-style: chr16-23623085-T-C. GRCh37 (hg19) VCF-style: chr16-23634406-T-C.
Identifiers: ClinVar variation 378320 (VCV000378320.11), dbSNP rs1057520342, ClinGen allele CA16608109.